The following is an entry in ClinVar:

NM_001256789.3(CACNA1F):c.1955del (p.Leu652fs)

Gene: CACNA1F (calcium voltage-gated channel subunit alpha1 F; minus strand). Cytogenetic location: Xp11.23.
Variant type: Deletion.
Coding change: c.1955del on transcript NM_001256789.3 (MANE Select); coding-DNA position 1955, one base deleted (T; older notation c.1955delT).
Protein change: p.Leu652fs; shifts the reading frame from leucine 652.
Molecular consequence: frameshift variant.
Genome position (GRCh38, 1-based): chrX:49,223,059, A deleted on the plus strand (T on the coding strand, the reverse complement: CACNA1F is on the minus strand). VCF-style (leftmost placement, unchanged base first): chrX-49223058-GA-G. GRCh37 (hg19) VCF-style: chrX-49079517-GA-G.
Other names: c.1793del, p.Leu598fs (NM_001256790.3); c.1988del, p.Leu663fs (NM_005183.4); short protein forms L652fs, L663fs, L598fs.
Identifiers: ClinVar variation 2700215 (VCV002700215.3), dbSNP rs2519115726, ClinGen allele CA2697553110.

ClinVar aggregate classification (germline): Pathogenic (1 of 4 stars; one submission).

Submission:

Labcorp Genetics (formerly Invitae), Labcorp
Classification: Pathogenic. Last evaluated: 2023-12-01. Review status: criteria provided, single submitter. Criteria: Invitae Variant Classification Sherloc (09022015). Collection method: clinical testing. Allele origin: germline.
Comment: This sequence change creates a premature translational stop signal (p.Leu663Profs*46) in the CACNA1F gene. It is expected to result in an absent or disrupted protein product. Loss-of-function variants in CACNA1F are known to be pathogenic (PMID: 9662399, 11281458, 17525176, 22194652, 24124559, 26992781). This variant is not present in population databases (gnomAD no frequency). This variant has not been reported in the literature in individuals affected with CACNA1F-related conditions. For these reasons, this variant has been classified as Pathogenic.

Literature cited by the submitters: PubMed 9662399; PubMed 11281458; PubMed 17525176; PubMed 22194652; PubMed 24124559; PubMed 26992781.